The following is an entry in ClinVar:

ClinVar aggregate classification (germline): Uncertain significance. Review status: criteria provided, multiple submitters, no conflicts (2 of 4 stars). 3 submissions from 3 submitters: Uncertain significance (3). Last evaluated 2025-03-01.

Conditions:
Wilms tumor 1 (WT1). Also called: Wilms tumor, somatic. Identifiers: Orphanet 654, MedGen CN033288, MONDO:0008679, OMIM 194070.
11p partial monosomy syndrome (WAGR). Also called: CHROMOSOME 11p13 DELETION SYNDROME; WAGR Complex; WAGR Spectrum Disorder; WAGR syndrome. Identifiers: Orphanet 893, MedGen C0206115, MONDO:0008681, OMIM 194072.
Drash syndrome (DDS). Also called: NEPHROPATHY, WILMS TUMOR, AND GENITAL ANOMALIES; WILMS TUMOR AND PSEUDO- OR TRUE HERMAPHRODITISM. Identifiers: Orphanet 220, MedGen C0950121, MONDO:0008682, OMIM 194080.
Frasier syndrome. Identifiers: Orphanet 347, MedGen C0950122, MeSH D052159, MONDO:0007635, OMIM 136680.
Inborn genetic diseases. Identifiers: MedGen C0950123, MeSH D030342.
Meacham syndrome. Also called: Meacham Winn Culler syndrome. Identifiers: Orphanet 3097, MedGen C1837026, MONDO:0012164, OMIM 608978.
Mesothelioma, malignant (MESOM). Also called: Malignant mesothelioma (disease). Identifiers: Orphanet 50251, MedGen C0345967, MONDO:0006292, OMIM 156240, HP:0100001.
Nephrotic syndrome, type 4 (NPHS4). Also called: Familial mesangial sclerosis; Nephrotic syndrome, early onset with diffuse mesangial sclerosis. Identifiers: Orphanet 656, MedGen C3151568, MONDO:0009733, OMIM 256370.

Allele frequency attached by ClinVar (database versions not stated): TOPMed below 0.00001; gnomAD 0.00001.
gnomAD v4.1: 1 of 1,612,560 alleles (0.000062%); highest among the groups gnomAD compares: African/African-American, 0.0013%; no homozygotes.

Submissions (3):

Ambry Genetics
Classification: Uncertain significance for Inborn genetic diseases. Last evaluated: 2025-03-01. Review status: criteria provided, single submitter. Criteria: Ambry Variant Classification Scheme 2023. Collection method: clinical testing. Allele origin: germline.
Comment: The p.S190A variant (also known as c.568T>G), located in coding exon 1 of the WT1 gene, results from a T to G substitution at nucleotide position 568. The serine at codon 190 is replaced by alanine, an amino acid with similar properties. This amino acid position is conserved. In addition, this alteration is predicted to be tolerated by in silico analysis. Based on the available evidence, the clinical significance of this variant remains unclear.

Fulgent Genetics
Classification: Uncertain significance for Frasier syndrome; Mesothelioma, malignant; Wilms tumor 1; Drash syndrome; Nephrotic syndrome, type 4; Meacham syndrome. Last evaluated: 2024-04-15. Review status: criteria provided, single submitter. Criteria: ACMG Guidelines, 2015. Collection method: clinical testing. Allele origin: germline.

Labcorp Genetics (formerly Invitae), Labcorp
Classification: Uncertain significance for Wilms tumor 1; Drash syndrome; 11p partial monosomy syndrome; Frasier syndrome. Last evaluated: 2023-05-05. Review status: criteria provided, single submitter. Criteria: Invitae Variant Classification Sherloc (09022015). Collection method: clinical testing. Allele origin: germline.
Comment: In summary, the available evidence is currently insufficient to determine the role of this variant in disease. Therefore, it has been classified as a Variant of Uncertain Significance. An algorithm developed to predict the effect of missense changes on protein structure and function (PolyPhen-2) suggests that this variant is likely to be tolerated. This variant has not been reported in the literature in individuals affected with WT1-related conditions. This variant is not present in population databases (gnomAD no frequency). This sequence change replaces serine, which is neutral and polar, with alanine, which is neutral and non-polar, at codon 190 of the WT1 protein (p.Ser190Ala).

NM_024426.6(WT1):c.583T>G (p.Ser195Ala)

Genes: WT1 (WT1 transcription factor; minus strand), LOC107982234 (WT1/WT1-AS bi-directional promoter region; plus strand). Cytogenetic location: 11p13.
Variant type: single nucleotide variant.
Coding change: c.583T>G on transcript NM_024426.6 (MANE Select); coding-DNA position 583, T replaced by G.
Protein change: p.Ser195Ala; replaces serine 195 with alanine.
Molecular consequence: missense variant. On other transcripts: non-coding transcript variant (2).
Genome position (GRCh38, 1-based): chr11:32,434,778, A>C on the plus strand (T>G on the coding strand, the complement: WT1 is on the minus strand). VCF-style: chr11-32434778-A-C. GRCh37 (hg19) VCF-style: chr11-32456324-A-C.
Other names: c.568T>G (NM_024426.4); c.583T>G, p.Ser195Ala (NM_000378.6, NM_001407044.1, NM_001407045.1 and 6 more transcripts); c.568T>G, p.Ser190Ala (NM_024425.2); short protein forms S195A, S190A.
Identifiers: ClinVar variation 2922864 (VCV002922864.5), dbSNP rs975173030, ClinGen allele CA219510868.